The following is an entry in ClinVar:

NM_014319.5(LEMD3):c.1873C>T (p.Arg625Ter)

Gene: LEMD3 (LEM domain containing 3; plus strand). Cytogenetic location: 12q14.3.
Variant type: single nucleotide variant.
Coding change: c.1873C>T on transcript NM_014319.5 (MANE Select); coding-DNA position 1873, C replaced by T.
Protein change: p.Arg625Ter; replaces arginine 625 with a stop codon.
Molecular consequence: nonsense.
Genome position (GRCh38, 1-based): chr12:65,238,766, C>T. VCF-style: chr12-65238766-C-T. GRCh37 (hg19) VCF-style: chr12-65632546-C-T.
Other names: c.1870C>T, p.Arg624Ter (NM_001167614.2); short protein forms R625*, R624*.
Identifiers: ClinVar variation 381745 (VCV000381745.8), dbSNP rs749951964, ClinGen allele CA6671059.

ClinVar aggregate classification (germline): Pathogenic. Review status: criteria provided, multiple submitters, no conflicts (2 of 4 stars). 4 submissions from 4 submitters: Pathogenic (4). Last evaluated 2026-06-15.

Conditions:
Dermatofibrosis lenticularis disseminata (BOS). Also called: DERMATOFIBROSIS LENTICULARIS DISSEMINATA WITH OSTEOPOIKILOSIS; DERMATOOSTEOPOIKILOSIS; OSTEOPATHIA CONDENSANS DISSEMINATA. Identifiers: Orphanet 1306, MedGen C0265514, MONDO:0008157, OMIM 166700.
Inborn genetic diseases. Identifiers: MedGen C0950123, MeSH D030342.

gnomAD v4.1: 3 of 1,613,950 alleles (0.00019%); highest among the groups gnomAD compares: Non-Finnish European, 0.00017%; no homozygotes.

Submissions (4):

Ambry Genetics
Classification: Pathogenic for Inborn genetic diseases. Last evaluated: 2026-06-15. Review status: criteria provided, single submitter. Criteria: Ambry Variant Classification Scheme 2023. Collection method: clinical testing. Allele origin: germline.
Comment: The c.1873C>T (p.R625*) alteration, located in exon 6 (coding exon 6) of the LEMD3 gene, consists of a C to T substitution at nucleotide position 1873. This changes the amino acid from an arginine (R) to a stop codon at amino acid position 625. This variant is expected to result in loss of function by premature protein truncation or nonsense-mediated mRNA decay. Based on data from gnomAD, the T allele has an overall frequency of <0.001% (1/251142) total alleles studied. The highest observed frequency was 0.001% (1/113486) of European (non-Finnish) alleles. This variant was reported in individual(s) with features consistent with Buschke-Ollendorff syndrome (Hellemans, 2006; Gass, 2008). Based on the available evidence, this alteration is classified as pathogenic.

Labcorp Genetics (formerly Invitae), Labcorp
Classification: Pathogenic. Last evaluated: 2024-04-12. Review status: criteria provided, single submitter. Criteria: Invitae Variant Classification Sherloc (09022015). Collection method: clinical testing. Allele origin: germline.
Comment: This sequence change creates a premature translational stop signal (p.Arg625*) in the LEMD3 gene. It is expected to result in an absent or disrupted protein product. Loss-of-function variants in LEMD3 are known to be pathogenic (PMID: 15489854, 19438932). This variant is present in population databases (rs749951964, gnomAD 0.0009%). This premature translational stop signal has been observed in individual(s) with Buschke-Ollendorff syndrome (PMID: 16470551). ClinVar contains an entry for this variant (Variation ID: 381745). For these reasons, this variant has been classified as Pathogenic.

GeneDx
Classification: Pathogenic. Last evaluated: 2017-01-06. Review status: criteria provided, single submitter. Criteria: GeneDx Variant Classification (06012015). Collection method: clinical testing. Allele origin: germline. Affected: yes.
Comment: The R625X nonsense variant in the LEMD3 gene has been reported previously in association with Buschke-Ollendorff syndrome (BOS) (Gass et al., 2008; Hellemans et al., 2006). It is not observed at a significant frequency in large population cohorts (Lek et al., 2016; 1000 Genomes Consortium et al., 2015; Exome Variant Server). This variant is predicted to cause loss of normal protein function either through protein truncation or nonsense-mediated mRNA decay. Additionally, other nonsense and loss of function variants have been reported in the Human Gene Mutation Database in association with LEMD3-related disorders (Stenson et al., 2014). Therefore, R625X is interpreted as pathogenic variant.

Juno Genomics, Hangzhou Juno Genomics, Inc
Classification: Pathogenic for Dermatofibrosis lenticularis disseminata. Review status: criteria provided, single submitter. Criteria: ACMG Guidelines, 2015. Collection method: clinical testing. Allele origin: germline.
Comment: Null variant in a gene where loss of function (LOF) is a known mechanism of disease.;Absent from controls (or at extremely low frequency if recessive) in Genome Aggregation Database.;Patient's phenotype or family history is highly specific for a disease with a single genetic etiology.

Literature cited by the submitters: PubMed 16470551 (cited by Ambry Genetics and Labcorp Genetics (formerly Invitae), Labcorp); PubMed 18489034 (cited by Ambry Genetics); PubMed 15489854 (cited by Labcorp Genetics (formerly Invitae), Labcorp); PubMed 19438932 (cited by Labcorp Genetics (formerly Invitae), Labcorp).